The following is an entry in ClinVar:

NC_000019.10:g.13599900T>C

Gene: CACNA1A (calcium voltage-gated channel subunit alpha1 A; minus strand). Cytogenetic location: 19p13.13.
Variant type: single nucleotide variant.
Genome position: GRCh38 VCF-style: chr19-13599900-T-C. GRCh37 (hg19) VCF-style: chr19-13710714-T-C.
Identifiers: ClinVar variation 4823216 (VCV004823216.4).

ClinVar aggregate classification (germline): Uncertain significance (1 of 4 stars; one submission).

Submission:

CeGaT Center for Human Genetics Tuebingen
Classification: Uncertain significance. Last evaluated: 2026-02-01. Review status: criteria provided, single submitter. Criteria: CeGaT Center For Human Genetics Tuebingen Variant Classification Criteria Version 2. Collection method: clinical testing. Allele origin: germline. Affected: yes. Observed: 1 variant allele.
Comment: CACNA1A: PM2, PP2, BP5